The following is an entry in ClinVar:

ClinVar aggregate classification (germline): Conflicting classifications of pathogenicity. Review status: criteria provided, conflicting classifications (1 of 4 stars). 2 submissions from 2 submitters: Uncertain significance (1); Benign (1). Last evaluated 2025-09-10.

Conditions:
Gorlin syndrome. Also called: Nevoid Basal Cell Carcinoma Syndrome; Basal cell nevus syndrome. Identifiers: Orphanet 377, MedGen C0004779, MONDO:0007187.
Hereditary cancer-predisposing syndrome. Also called: Hereditary neoplastic syndrome; Tumor predisposition; Neoplastic Syndromes, Hereditary; Hereditary Cancer Syndrome. Identifiers: Orphanet 140162, MedGen C0027672, MeSH D009386, MONDO:0015356.

Allele frequency attached by ClinVar (database versions not stated): gnomAD exomes below 0.00001.
gnomAD v4.1: 3 of 1,613,210 alleles (0.00019%); highest among the groups gnomAD compares: Admixed American, 0.0017%; no homozygotes.

Submissions (2):

Labcorp Genetics (formerly Invitae), Labcorp
Classification: Benign for Gorlin syndrome. Last evaluated: 2025-09-10. Review status: criteria provided, single submitter. Criteria: Invitae Variant Classification Sherloc (09022015). Collection method: clinical testing. Allele origin: germline.

Ambry Genetics
Classification: Uncertain significance for Hereditary cancer-predisposing syndrome. Last evaluated: 2025-04-20. Review status: criteria provided, single submitter. Criteria: Ambry Variant Classification Scheme 2023. Collection method: clinical testing. Allele origin: germline.
Comment: The p.R255W variant (also known as c.763C>T), located in coding exon 6 of the PTCH1 gene, results from a C to T substitution at nucleotide position 763. The arginine at codon 255 is replaced by tryptophan, an amino acid with dissimilar properties. This amino acid position is not well conserved in available vertebrate species. In addition, the in silico prediction for this alteration is inconclusive. Since supporting evidence is limited at this time, the clinical significance of this alteration remains unclear.

NM_000264.5(PTCH1):c.763C>T (p.Arg255Trp)

Gene: PTCH1 (patched 1; minus strand). Cytogenetic location: 9q22.32.
Variant type: single nucleotide variant.
Coding change: c.763C>T on transcript NM_000264.5 (MANE Select); coding-DNA position 763, C replaced by T.
Protein change: p.Arg255Trp; replaces arginine 255 with tryptophan.
Molecular consequence: missense variant. On other transcripts: non-coding transcript variant (1).
Genome position (GRCh38, 1-based): chr9:95,480,572, G>A on the plus strand (C>T on the coding strand, the complement: PTCH1 is on the minus strand). VCF-style: chr9-95480572-G-A. GRCh37 (hg19) VCF-style: chr9-98242854-G-A.
Other names: c.310C>T, p.Arg104Trp (NM_001083606.3, NM_001083607.3, NM_001083604.3 and 1 more transcripts); c.763C>T, p.Arg255Trp (NM_001354918.2); c.565C>T, p.Arg189Trp (NM_001083602.3); c.760C>T, p.Arg254Trp (NM_001083603.3); short protein forms R255W, R254W, R104W, R189W.
Identifiers: ClinVar variation 857018 (VCV000857018.13), dbSNP rs925067209, ClinGen allele CA196532823.